The following is an entry in ClinVar:

NM_017841.4(SDHAF2):c.376A>C (p.Lys126Gln)

Gene: SDHAF2 (succinate dehydrogenase complex assembly factor 2; plus strand). Cytogenetic location: 11q12.2.
Variant type: single nucleotide variant.
Coding change: c.376A>C on transcript NM_017841.4 (MANE Select); coding-DNA position 376, A replaced by C.
Protein change: p.Lys126Gln; replaces lysine 126 with glutamine.
Molecular consequence: missense variant.
Genome position (GRCh38, 1-based): chr11:61,445,946, A>C. VCF-style: chr11-61445946-A-C. GRCh37 (hg19) VCF-style: chr11-61213418-A-C.
Other names: short protein forms K126Q.
Identifiers: ClinVar variation 4844577 (VCV004844577.1).

ClinVar aggregate classification (germline): Uncertain significance (1 of 4 stars; one submission).

Conditions:
Hereditary cancer-predisposing syndrome. Also called: Neoplastic Syndromes, Hereditary; Tumor predisposition; Hereditary Cancer Syndrome; Hereditary neoplastic syndrome. Identifiers: Orphanet 140162, MedGen C0027672, MeSH D009386, MONDO:0015356.

Submission:

Ambry Genetics
Classification: Uncertain significance for Hereditary cancer-predisposing syndrome. Last evaluated: 2026-01-30. Review status: criteria provided, single submitter. Criteria: Ambry Variant Classification Scheme 2023. Collection method: clinical testing. Allele origin: germline.
Comment: The p.K126Q variant (also known as c.376A>C), located in coding exon 4 of the SDHAF2 gene, results from an A to C substitution at nucleotide position 376. The lysine at codon 126 is replaced by glutamine, an amino acid with similar properties. This amino acid position is well conserved in available vertebrate species. In addition, this alteration is predicted to be tolerated by in silico analysis. Based on the available evidence, the clinical significance of this variant remains unclear.